The following is an entry in ClinVar:

NM_001081.4(CUBN):c.4312G>T (p.Val1438Leu)

Gene: CUBN (cubilin; minus strand). Cytogenetic location: 10p13.
Variant type: single nucleotide variant.
Coding change: c.4312G>T on transcript NM_001081.4 (MANE Select); coding-DNA position 4312, G replaced by T.
Protein change: p.Val1438Leu; replaces valine 1438 with leucine.
Molecular consequence: missense variant.
Genome position (GRCh38, 1-based): chr10:16,990,372, C>A on the plus strand (G>T on the coding strand, the complement: CUBN is on the minus strand). VCF-style: chr10-16990372-C-A. GRCh37 (hg19) VCF-style: chr10-17032371-C-A.
Other names: short protein forms V1438L.
Identifiers: ClinVar variation 1351847 (VCV001351847.5), dbSNP rs764937978, ClinGen allele CA5424425.

ClinVar aggregate classification (germline): Uncertain significance (1 of 4 stars; one submission).

Conditions:
Imerslund-Grasbeck syndrome. Also called: Megaloblastic anemia due to inborn errors of metabolism; Imerslund-Gräsbeck syndrome; ENTEROCYTE COBALAMIN MALABSORPTION; ENTEROCYTE INTRINSIC FACTOR RECEPTOR, DEFECT OF; PERNICIOUS ANEMIA, JUVENILE, DUE TO SELECTIVE INTESTINAL MALABSORPTION OF VITAMIN B12, WITH PROTEINURIA. Identifiers: Orphanet 35858, MedGen C4551825, MONDO:0009853.

Allele frequency attached by ClinVar (database versions not stated): ExAC 0.00001; gnomAD 0.00001; TOPMed 0.00001.
gnomAD v4.1: 15 of 1,614,092 alleles (0.00093%); highest among the groups gnomAD compares: Non-Finnish European, 0.0013%; no homozygotes.

Submission:

Labcorp Genetics (formerly Invitae), Labcorp
Classification: Uncertain significance for Imerslund-Grasbeck syndrome. Last evaluated: 2021-08-30. Review status: criteria provided, single submitter. Criteria: Invitae Variant Classification Sherloc (09022015). Collection method: clinical testing. Allele origin: germline.
Comment: This sequence change replaces valine with leucine at codon 1438 of the CUBN protein (p.Val1438Leu). The valine residue is moderately conserved and there is a small physicochemical difference between valine and leucine. This variant is present in population databases (rs764937978, ExAC 0.001%). This variant has not been reported in the literature in individuals affected with CUBN-related conditions. Algorithms developed to predict the effect of missense changes on protein structure and function are either unavailable or do not agree on the potential impact of this missense change (SIFT: "Tolerated"; PolyPhen-2: "Possibly Damaging"; Align-GVGD: "Class C0"). In summary, the available evidence is currently insufficient to determine the role of this variant in disease. Therefore, it has been classified as a Variant of Uncertain Significance.